The following is an entry in ClinVar:

ClinVar aggregate classification (germline): Uncertain significance (1 of 4 stars; one submission).

Conditions:
Lynch syndrome. Identifiers: Orphanet 144, MedGen C4552100, MONDO:0005835. Disease mechanism: loss of function.

Submission:

All of Us Research Program, National Institutes of Health
Classification: Uncertain significance for Lynch syndrome. Last evaluated: 2024-04-16. Review status: criteria provided, single submitter. Criteria: ACMG Guidelines, 2015. Collection method: clinical testing. Allele origin: germline. Inheritance: Autosomal dominant inheritance. Observed: 1 variant allele, 1 heterozygote.
Comment: This missense variant replaces valine with aspartic acid at codon 564 of the PMS2 protein. Computational prediction suggests that this variant may not impact protein structure and function (internally defined REVEL score threshold <= 0.5, PMID: 27666373). To our knowledge, functional studies have not been reported for this variant. This variant has not been reported in individuals affected with PMS2-related disorders in the literature. This variant has not been identified in the general population by the Genome Aggregation Database (gnomAD). The available evidence is insufficient to determine the role of this variant in disease conclusively. Therefore, this variant is classified as a Variant of Uncertain Significance.

This study involves interpretation of variants in research participants for the purpose of population health screening. Participant phenotype was not available at the time of variant classification. Additional details can be found in publication PMID: 35346344, PMCID: PMC8962531

NM_000535.7(PMS2):c.1691T>A (p.Val564Asp)

Gene: PMS2 (PMS1 homolog 2, mismatch repair system component; minus strand). Cytogenetic location: 7p22.1.
Variant type: single nucleotide variant.
Coding change: c.1691T>A on transcript NM_000535.7 (MANE Select); coding-DNA position 1691, T replaced by A.
Protein change: p.Val564Asp; replaces valine 564 with aspartic acid.
Molecular consequence: missense variant. On other transcripts: non-coding transcript variant (1), intron variant (1).
Genome position (GRCh38, 1-based): chr7:5,987,074, A>T on the plus strand (T>A on the coding strand, the complement: PMS2 is on the minus strand). VCF-style: chr7-5987074-A-T. GRCh37 (hg19) VCF-style: chr7-6026705-A-T.
Other names: c.1286T>A, p.Val429Asp (NM_001322003.2, NM_001322004.2, NM_001322005.2 and 16 more transcripts); c.1535T>A, p.Val512Asp (NM_001322006.2, NM_001406870.1); c.1373T>A, p.Val458Asp (NM_001322007.2, NM_001322008.2, NM_001406876.1 and 2 more transcripts); c.1130T>A, p.Val377Asp (NM_001322010.2, NM_001406906.1, NM_001406907.1); c.758T>A, p.Val253Asp (NM_001322011.2, NM_001322012.2); c.1118T>A, p.Val373Asp (NM_001322013.2, NM_001406909.1); c.1691T>A, p.Val564Asp (NM_001322014.2, NM_001406871.1, NM_001406872.1); c.1382T>A, p.Val461Asp (NM_001322015.2, NM_001406875.1, NM_001406877.1 and 5 more transcripts); and 13 more; short protein forms V253D, V307D, V373D, V377D, V393D, V406D, V409D, V429D.
Identifiers: ClinVar variation 3387510 (VCV003387510.1).